The following is an entry in ClinVar:

NM_020774.4(MIB1):c.3010C>A (p.Leu1004Ile)

Gene: MIB1 (MIB E3 ubiquitin protein ligase 1; plus strand). Cytogenetic location: 18q11.2.
Variant type: single nucleotide variant.
Coding change: c.3010C>A on transcript NM_020774.4 (MANE Select); coding-DNA position 3010, C replaced by A.
Protein change: p.Leu1004Ile; replaces leucine 1004 with isoleucine.
Molecular consequence: missense variant.
Genome position (GRCh38, 1-based): chr18:21,864,655, C>A. VCF-style: chr18-21864655-C-A. GRCh37 (hg19) VCF-style: chr18-19444616-C-A.
Other names: short protein forms L1004I.
Identifiers: ClinVar variation 3395771 (VCV003395771.1).

ClinVar aggregate classification (germline): Uncertain significance (1 of 4 stars; one submission).

Conditions:
Inborn genetic diseases. Identifiers: MedGen C0950123, MeSH D030342.

gnomAD v4.1: 2 of 1,613,064 alleles (0.00012%); highest among the groups gnomAD compares: South Asian, 0.0011%; no homozygotes.

Submission:

Ambry Genetics
Classification: Uncertain significance for Inborn genetic diseases. Last evaluated: 2024-10-07. Review status: criteria provided, single submitter. Criteria: Ambry Variant Classification Scheme 2023. Collection method: clinical testing. Allele origin: germline.
Comment: The p.L1004I variant (also known as c.3010C>A), located in coding exon 21 of the MIB1 gene, results from a C to A substitution at nucleotide position 3010. The leucine at codon 1004 is replaced by isoleucine, an amino acid with highly similar properties. This amino acid position is conserved. In addition, the in silico prediction for this alteration is inconclusive. Based on the available evidence, the clinical significance of this variant remains unclear.